The following is an entry in ClinVar:

NM_005159.5(ACTC1):c.689C>T (p.Ala230Val)

Genes: GJD2-DT (GJD2 divergent transcript; plus strand), ACTC1 (actin alpha cardiac muscle 1; minus strand). Cytogenetic location: 15q14.
Variant type: single nucleotide variant.
Coding change: c.689C>T on transcript NM_005159.5 (MANE Select); coding-DNA position 689, C replaced by T.
Protein change: p.Ala230Val; replaces alanine 230 with valine.
Molecular consequence: missense variant.
Genome position (GRCh38, 1-based): chr15:34,792,209, G>A on the plus strand (C>T on the coding strand, the complement: ACTC1 is on the minus strand). VCF-style: chr15-34792209-G-A. GRCh37 (hg19) VCF-style: chr15-35084410-G-A.
Other names: c.689C>T, p.Ala230Val (NM_001406482.1, NM_001406483.1); c.554C>T, p.Ala185Val (NM_001406484.1); c.248C>T, p.Ala83Val (NM_001406485.1); short protein forms A185V, A83V, A230V.
Identifiers: ClinVar variation 2925303 (VCV002925303.3), dbSNP rs2504180194, ClinGen allele CA391630535.
Genomic context (GRCh38, chr15:34,792,209, plus strand): 5'-ATGACTTGGCCATCAGGCAGTTCATAGCTCTTCTCCAGGGAGGAGGAAGAGGCAGCTGTG[G>A]CCATCTCATTCTCAAAATCCAGGGCGACATAGCACAGCTTCTCTTTAATGTCACGGACAA-3'
Protein context (NP_005150.1, residues 220-240): YVALDFENEM[Ala230Val]TAASSSSLEK

ClinVar aggregate classification (germline): Uncertain significance (1 of 4 stars; one submission).

Conditions:
Atrial septal defect 5 (ASD5). Identifiers: Orphanet 1478, MedGen C2748552, MONDO:0013011, OMIM 612794.
Dilated cardiomyopathy 1R (CMD1R). Identifiers: Orphanet 154, Orphanet 54260, MedGen C3150681, MONDO:0013261, OMIM 613424.
Hypertrophic cardiomyopathy 11. Also called: ACTC1-Related Familial Hypertrophic Cardiomyopathy. Identifiers: MedGen C2677506, MONDO:0012799, OMIM 612098.

Submission:

Labcorp Genetics (formerly Invitae), Labcorp
Classification: Uncertain significance for Dilated cardiomyopathy 1R; Hypertrophic cardiomyopathy 11; Atrial septal defect 5. Last evaluated: 2023-11-19. Review status: criteria provided, single submitter. Criteria: Invitae Variant Classification Sherloc (09022015). Collection method: clinical testing. Allele origin: germline.
Comment: This sequence change replaces alanine, which is neutral and non-polar, with valine, which is neutral and non-polar, at codon 230 of the ACTC1 protein (p.Ala230Val). This variant is not present in population databases (gnomAD no frequency). This variant has not been reported in the literature in individuals affected with ACTC1-related conditions. Advanced modeling of protein sequence and biophysical properties (such as structural, functional, and spatial information, amino acid conservation, physicochemical variation, residue mobility, and thermodynamic stability) performed at Invitae indicates that this missense variant is not expected to disrupt ACTC1 protein function with a negative predictive value of 80%. In summary, the available evidence is currently insufficient to determine the role of this variant in disease. Therefore, it has been classified as a Variant of Uncertain Significance.